The following is an entry in ClinVar:

NC_000001.11:g.(?_3041036)_(3244147_?)dup

Gene: PRDM16 (PR/SET domain 16; plus strand). Cytogenetic location: 1p36.32.
Variant type: Duplication.
Identifiers: ClinVar variation 833350 (VCV000833350.6).

ClinVar aggregate classification (germline): Uncertain significance (1 of 4 stars; one submission).

Conditions:
Left ventricular noncompaction 8 (LVNC8). Identifiers: Orphanet 154, Orphanet 54260, MedGen C3809288, MONDO:0014152, OMIM 615373.

Submission:

Labcorp Genetics (formerly Invitae), Labcorp
Classification: Uncertain significance for Left ventricular noncompaction 8. Last evaluated: 2022-03-09. Review status: criteria provided, single submitter. Criteria: Invitae Variant Classification Sherloc (09022015). Collection method: clinical testing. Allele origin: germline.
Comment: In summary, the available evidence is currently insufficient to determine the role of this variant in disease. Therefore, it has been classified as a Variant of Uncertain Significance. Experimental studies and prediction algorithms are not available or were not evaluated, and the functional significance of this variant is currently unknown. This variant has not been reported in the literature in individuals affected with PRDM16-related conditions. This variant results in a copy number gain of the genomic region encompassing exon(s) 1-3 of the PRDM16 gene. This region includes the initiator codon of the gene. This copy number gain extends beyond the assayed region for this gene and therefore may encompass additional genes. As the precise location of this event is unknown, it may be in tandem or it may be located elsewhere in the genome.